The following is an entry in ClinVar:

NM_005245.4(FAT1):c.250A>G (p.Lys84Glu)

Gene: FAT1 (FAT atypical cadherin 1; minus strand). Cytogenetic location: 4q35.2.
Variant type: single nucleotide variant.
Coding change: c.250A>G on transcript NM_005245.4 (MANE Select); coding-DNA position 250, A replaced by G.
Protein change: p.Lys84Glu; replaces lysine 84 with glutamic acid.
Molecular consequence: missense variant.
Genome position (GRCh38, 1-based): chr4:186,709,578, T>C on the plus strand (A>G on the coding strand, the complement: FAT1 is on the minus strand). VCF-style: chr4-186709578-T-C. GRCh37 (hg19) VCF-style: chr4-187630732-T-C.
Other names: short protein forms K84E.
Identifiers: ClinVar variation 1466180 (VCV001466180.6), dbSNP rs544313675, ClinGen allele CA112183590.

ClinVar aggregate classification (germline): Uncertain significance (1 of 4 stars; one submission).

Allele frequency attached by ClinVar (database versions not stated): gnomAD 0.00001; 1000 Genomes Project 30x 0.00016; 1000 Genomes Project 0.00020.
gnomAD v4.1: 2 of 1,614,054 alleles (0.00012%); highest among the groups gnomAD compares: East Asian, 0.0022%; no homozygotes.

Submission:

Labcorp Genetics (formerly Invitae), Labcorp
Classification: Uncertain significance. Last evaluated: 2021-10-13. Review status: criteria provided, single submitter. Criteria: Invitae Variant Classification Sherloc (09022015). Collection method: clinical testing. Allele origin: germline.
Comment: In summary, the available evidence is currently insufficient to determine the role of this variant in disease. Therefore, it has been classified as a Variant of Uncertain Significance. Algorithms developed to predict the effect of missense changes on protein structure and function (SIFT, PolyPhen-2, Align-GVGD) all suggest that this variant is likely to be disruptive. This sequence change replaces lysine with glutamic acid at codon 84 of the FAT1 protein (p.Lys84Glu). The lysine residue is highly conserved and there is a small physicochemical difference between lysine and glutamic acid. This variant is not present in population databases (ExAC no frequency). This variant has not been reported in the literature in individuals affected with FAT1-related conditions.